The following is an entry in ClinVar:

NM_007194.4(CHEK2):c.271_272dup (p.Trp93fs)

Gene: CHEK2 (checkpoint kinase 2; minus strand). Cytogenetic location: 22q12.1.
Variant type: Duplication.
Coding change: c.271_272dup on transcript NM_007194.4 (MANE Select); coding-DNA positions 271 to 272, 2 bases duplicated (GC; older notation c.271_272dupGC).
Protein change: p.Trp93fs; shifts the reading frame from tryptophan 93.
Molecular consequence: frameshift variant.
Genome position (GRCh38, 1-based): chr22:28,734,450-28,734,451, GC duplicated on the plus strand (GC on the coding strand, the reverse complement: CHEK2 is on the minus strand). VCF-style (leftmost placement, unchanged base first): chr22-28734449-G-GGC. GRCh37 (hg19) VCF-style: chr22-29130437-G-GGC.
Other names: c.271_272dup, p.Trp93Profs (NM_001005735.3, NM_001349956.3, NM_145862.3); c.-507_-506dup (NM_001257387.3); short protein forms W93fs.
Identifiers: ClinVar variation 2858089 (VCV002858089.3), dbSNP rs2518127988, ClinGen allele CA2739265664.
Genomic context (GRCh38, chr22:28,734,449, plus strand): 5'-ACAAAGGGTCTTACCAAGATTGGCAAATCCATCCTGAAGGGCCCATAATCGAGCCCAGGG[G>GGC]GCAGGGGTAGGCTCCTCAGGTTCTTGGTCCTCAGGTTCTTGGTCCTCAGGAATAGAATAG-3'

ClinVar aggregate classification (germline): Pathogenic (1 of 4 stars; one submission).

Conditions:
Familial cancer of breast. Also called: Hereditary breast cancer; BREAST CANCER, FAMILIAL; hereditary breast carcinoma. Identifiers: Orphanet 227535, MedGen C0346153, MONDO:0016419, OMIM 114480. Disease mechanism: loss of function.

Submission:

Labcorp Genetics (formerly Invitae), Labcorp
Classification: Pathogenic for Familial cancer of breast. Last evaluated: 2023-04-22. Review status: criteria provided, single submitter. Criteria: Invitae Variant Classification Sherloc (09022015). Collection method: clinical testing. Allele origin: germline.
Comment: For these reasons, this variant has been classified as Pathogenic. This variant has not been reported in the literature in individuals affected with CHEK2-related conditions. This sequence change creates a premature translational stop signal (p.Trp93Profs*18) in the CHEK2 gene. It is expected to result in an absent or disrupted protein product. Loss-of-function variants in CHEK2 are known to be pathogenic (PMID: 21876083, 24713400). This variant is not present in population databases (gnomAD no frequency).

Literature cited by the submitters: PubMed 21876083; PubMed 24713400.